The following is an entry in ClinVar:

ClinVar aggregate classification (germline): Pathogenic (1 of 4 stars; one submission).

Conditions:
Developmental and epileptic encephalopathy, 34 (DEE34). Also called: Early infantile epileptic encephalopathy 34; SLC12A5-Related Epilepsy of Infancy with Migrating Focal Seizures. Identifiers: Orphanet 293181, MedGen C4225257, MONDO:0014718, OMIM 616645.

Submission:

Labcorp Genetics (formerly Invitae), Labcorp
Classification: Pathogenic for Developmental and epileptic encephalopathy, 34. Last evaluated: 2022-09-01. Review status: criteria provided, single submitter. Criteria: Invitae Variant Classification Sherloc (09022015). Collection method: clinical testing. Allele origin: germline.
Comment: This sequence change creates a premature translational stop signal (p.Leu840Argfs*32) in the SLC12A5 gene. It is expected to result in an absent or disrupted protein product. Loss-of-function variants in SLC12A5 are known to be pathogenic (PMID: 26333769, 27436767). This variant is not present in population databases (gnomAD no frequency). This variant has not been reported in the literature in individuals affected with SLC12A5-related conditions. ClinVar contains an entry for this variant (Variation ID: 1362846). For these reasons, this variant has been classified as Pathogenic.

Literature cited by the submitters: PubMed 26333769; PubMed 27436767.

NM_020708.5(SLC12A5):c.2519del (p.Leu840fs)

Gene: SLC12A5 (solute carrier family 12 member 5; plus strand). Cytogenetic location: 20q13.12.
Variant type: Deletion.
Coding change: c.2519del on transcript NM_020708.5 (MANE Select); coding-DNA position 2519, one base deleted (T; older notation c.2519delT).
Protein change: p.Leu840fs; shifts the reading frame from leucine 840.
Molecular consequence: frameshift variant.
Genome position (GRCh38, 1-based): chr20:46,053,098, T deleted. VCF-style (leftmost placement, unchanged base first): chr20-46053097-CT-C. GRCh37 (hg19) VCF-style: chr20-44681736-CT-C.
Other names: c.2588del, p.Leu863fs (NM_001134771.2); short protein forms L840fs, L863fs.
Identifiers: ClinVar variation 1362846 (VCV001362846.6), dbSNP rs2145503701, ClinGen allele CA2573157119.